The following is an entry in ClinVar:

ClinVar aggregate classification (germline): Uncertain significance (1 of 4 stars; one submission).

Submission:

GeneDx
Classification: Uncertain significance. Last evaluated: 2019-05-09. Review status: criteria provided, single submitter. Criteria: GeneDx Variant Classification Process June 2021. Collection method: clinical testing. Allele origin: germline. Affected: yes.
Comment: Not observed in large population cohorts (Lek et al., 2016); In silico analysis, which includes protein predictors and evolutionary conservation, supports that this variant does not alter protein structure/function; Has not been previously published as pathogenic or benign to our knowledge

NM_138694.4(PKHD1):c.12085C>G (p.Gln4029Glu)

Gene: PKHD1 (PKHD1 ciliary IPT domain containing fibrocystin/polyductin; minus strand). Cytogenetic location: 6p12.3.
Variant type: single nucleotide variant.
Coding change: c.12085C>G on transcript NM_138694.4 (MANE Select); coding-DNA position 12085, C replaced by G.
Protein change: p.Gln4029Glu; replaces glutamine 4029 with glutamic acid.
Molecular consequence: missense variant.
Genome position (GRCh38, 1-based): chr6:51,619,221, G>C on the plus strand (C>G on the coding strand, the complement: PKHD1 is on the minus strand). VCF-style: chr6-51619221-G-C. GRCh37 (hg19) VCF-style: chr6-51484019-G-C.
Other names: short protein forms Q4029E.
Identifiers: ClinVar variation 1305645 (VCV001305645.2), dbSNP rs1766305561, ClinGen allele CA364416912.